The following is an entry in ClinVar:

NM_006514.4(SCN10A):c.2172T>G (p.Tyr724Ter)

Gene: SCN10A (sodium voltage-gated channel alpha subunit 10; minus strand). Cytogenetic location: 3p22.2.
Variant type: single nucleotide variant.
Coding change: c.2172T>G on transcript NM_006514.4 (MANE Select); coding-DNA position 2172, T replaced by G.
Protein change: p.Tyr724Ter; replaces tyrosine 724 with a stop codon.
Molecular consequence: nonsense.
Genome position (GRCh38, 1-based): chr3:38,739,623, A>C on the plus strand (T>G on the coding strand, the complement: SCN10A is on the minus strand). VCF-style: chr3-38739623-A-C. GRCh37 (hg19) VCF-style: chr3-38781114-A-C.
Other names: c.2172T>G, p.Tyr724Ter (NM_001293306.2); c.1878T>G, p.Tyr626Ter (NM_001293307.2); short protein forms Y626*, Y724*.
Identifiers: ClinVar variation 3316517 (VCV003316517.2).

ClinVar aggregate classification (germline): Uncertain significance. Review status: criteria provided, multiple submitters, no conflicts (2 of 4 stars). 2 submissions from 2 submitters: Uncertain significance (2). Last evaluated 2025-04-11.

Conditions:
Cardiovascular phenotype. Identifiers: MedGen CN230736.
Brugada syndrome. Also called: Sudden unexplained nocturnal death syndrome; Sudden unexpected nocturnal death syndrome; Sudden Unexplained Death Syndrome; Sudden Unexplained Nocturnal Death Syndrome (SUNDS). Identifiers: Orphanet 130, MedGen C1142166, MONDO:0015263.

Submissions (2):

Labcorp Genetics (formerly Invitae), Labcorp
Classification: Uncertain significance for Brugada syndrome. Last evaluated: 2025-04-11. Review status: criteria provided, single submitter. Criteria: Invitae Variant Classification Sherloc (09022015). Collection method: clinical testing. Allele origin: germline.
Comment: This sequence change creates a premature translational stop signal (p.Tyr724*) in the SCN10A gene. It is expected to result in an absent or disrupted protein product. However, the current clinical and genetic evidence is not sufficient to establish whether loss-of-function variants in SCN10A cause disease. This variant is present in population databases (no rsID available, gnomAD 0.0009%). This variant has not been reported in the literature in individuals affected with SCN10A-related conditions. ClinVar contains an entry for this variant (Variation ID: 3316517). In summary, the available evidence is currently insufficient to determine the role of this variant in disease. Therefore, it has been classified as a Variant of Uncertain Significance.

Ambry Genetics
Classification: Uncertain significance for Cardiovascular phenotype. Last evaluated: 2024-05-20. Review status: criteria provided, single submitter. Criteria: Ambry Variant Classification Scheme 2023. Collection method: clinical testing. Allele origin: germline.
Comment: The p.Y724* variant (also known as c.2172T>G), located in coding exon 14 of the SCN10A gene, results from a T to G substitution at nucleotide position 2172. This changes the amino acid from a tyrosine to a stop codon within coding exon 14. This alteration is expected to result in protein truncation or nonsense-mediated mRNA decay. However, loss of function of SCN10A has not been established as a mechanism of disease. The evidence for this gene-disease relationship is limited; therefore, the clinical significance of this alteration is unclear.